The following is an entry in ClinVar:

ClinVar aggregate classification (germline): Conflicting classifications of pathogenicity. Review status: criteria provided, conflicting classifications (1 of 4 stars). 2 submissions from 2 submitters: Uncertain significance (1); Benign (1). Last evaluated 2021-10-26.

Conditions:
Monilethrix. Also called: Beaded hair. Identifiers: Orphanet 573, MedGen C0546966, MONDO:0008009, HP:0032470.

Allele frequency attached by ClinVar (database versions not stated): gnomAD exomes 0.00006; ExAC 0.00010; gnomAD 0.00025 and 0.00028; 1000 Genomes Project 30x 0.00031; ESP Exome Variant Server 0.00031; TOPMed 0.00032; 1000 Genomes Project 0.00040.

Submissions (2):

Ambry Genetics
Classification: Uncertain significance. Last evaluated: 2021-10-26. Review status: criteria provided, single submitter. Criteria: Ambry Variant Classification Scheme 2023. Collection method: clinical testing. Allele origin: germline.

Illumina Laboratory Services, Illumina
Classification: Benign for MONILETHRIX 1. Last evaluated: 2018-01-13. Review status: criteria provided, single submitter. Criteria: ICSL Variant Classification Criteria 13 December 2019. Collection method: clinical testing. Allele origin: germline.
Comment: This variant was observed in the ICSL laboratory as part of a predisposition screen in an ostensibly healthy population. It had not been previously curated by ICSL or reported in the Human Gene Mutation Database (HGMD: prior to June 1st, 2018), and was therefore a candidate for classification through an automated scoring system. Utilizing variant allele frequency, disease prevalence and penetrance estimates, and inheritance mode, an automated score was calculated to assess if this variant is too frequent to cause the disease. Based on the score and internal cut-off values, a variant classified as benign is not then subjected to further curation. The score for this variant resulted in a classification of benign for this disease.

NM_002282.3(KRT83):c.389G>A (p.Arg130His)

Gene: KRT83 (keratin 83; minus strand). Cytogenetic location: 12q13.13.
Variant type: single nucleotide variant.
Coding change: c.389G>A on transcript NM_002282.3 (MANE Select); coding-DNA position 389, G replaced by A.
Protein change: p.Arg130His; replaces arginine 130 with histidine.
Molecular consequence: missense variant.
Genome position (GRCh38, 1-based): chr12:52,319,360, C>T on the plus strand (G>A on the coding strand, the complement: KRT83 is on the minus strand). VCF-style: chr12-52319360-C-T. GRCh37 (hg19) VCF-style: chr12-52713144-C-T.
Other names: short protein forms R130H.
Identifiers: ClinVar variation 884065 (VCV000884065.6), dbSNP rs139360978, ClinGen allele CA6577689.